The following is an entry in ClinVar:

NM_002227.4(JAK1):c.2215G>A (p.Asp739Asn)

Gene: JAK1 (Janus kinase 1; minus strand). Cytogenetic location: 1p31.3.
Variant type: single nucleotide variant.
Coding change: c.2215G>A on transcript NM_002227.4 (MANE Select); coding-DNA position 2215, G replaced by A.
Protein change: p.Asp739Asn; replaces aspartic acid 739 with asparagine.
Molecular consequence: missense variant.
Genome position (GRCh38, 1-based): chr1:64,844,790, C>T on the plus strand (G>A on the coding strand, the complement: JAK1 is on the minus strand). VCF-style: chr1-64844790-C-T. GRCh37 (hg19) VCF-style: chr1-65310473-C-T.
Other names: c.2215G>A, p.Asp739Asn (NM_001320923.2, NM_001321852.2, NM_001321853.2 and 3 more transcripts); c.2212G>A, p.Asp738Asn (NM_001321857.2); short protein forms D738N, D739N.
Identifiers: ClinVar variation 1364994 (VCV001364994.6), dbSNP rs759709239, ClinGen allele CA892725.

ClinVar aggregate classification (germline): Uncertain significance (1 of 4 stars; one submission).

Allele frequency attached by ClinVar (database versions not stated): TOPMed below 0.00001; gnomAD 0.00001; gnomAD exomes 0.00001 and 0.00002; ExAC 0.00003; 1000 Genomes Project 30x 0.00031.
gnomAD v4.1: 15 of 1,614,204 alleles (0.00093%); highest among the groups gnomAD compares: Admixed American, 0.013%; no homozygotes.

Submission:

Labcorp Genetics (formerly Invitae), Labcorp
Classification: Uncertain significance. Last evaluated: 2024-08-13. Review status: criteria provided, single submitter. Criteria: Invitae Variant Classification Sherloc (09022015). Collection method: clinical testing. Allele origin: germline.
Comment: This sequence change replaces aspartic acid, which is acidic and polar, with asparagine, which is neutral and polar, at codon 739 of the JAK1 protein (p.Asp739Asn). This variant is present in population databases (rs759709239, gnomAD 0.01%). This variant has not been reported in the literature in individuals affected with JAK1-related conditions. ClinVar contains an entry for this variant (Variation ID: 1364994). Invitae Evidence Modeling of protein sequence and biophysical properties (such as structural, functional, and spatial information, amino acid conservation, physicochemical variation, residue mobility, and thermodynamic stability) indicates that this missense variant is expected to disrupt JAK1 protein function with a positive predictive value of 80%. In summary, the available evidence is currently insufficient to determine the role of this variant in disease. Therefore, it has been classified as a Variant of Uncertain Significance.